The following is an entry in ClinVar:

ClinVar aggregate classification (germline): Uncertain significance (1 of 4 stars; one submission).

Conditions:
Inborn genetic diseases. Identifiers: MedGen C0950123, MeSH D030342.

Submission:

Ambry Genetics
Classification: Uncertain significance for Inborn genetic diseases. Last evaluated: 2026-05-28. Review status: criteria provided, single submitter. Criteria: Ambry Variant Classification Scheme 2023. Collection method: clinical testing. Allele origin: germline.
Comment: The c.880_882delATC variant (also known as p.I294del) is located in coding exon 1 of the CEBPA gene. This variant results from an in-frame ATC deletion at nucleotide positions 880 to 882. This results in the in-frame deletion of an isoleucine at codon 294. This amino acid position is well conserved in available vertebrate species. In addition, this variant is predicted to be deleterious by in silico analysis (Choi Y et al. PLoS ONE. 2012; 7(10):e46688). Based on the available evidence, the clinical significance of this variant remains unclear.

NM_004364.5(CEBPA):c.880_882del (p.Ile294del)

Gene: CEBPA (CCAAT enhancer binding protein alpha; minus strand). Cytogenetic location: 19q13.11.
Variant type: Deletion.
Coding change: c.880_882del on transcript NM_004364.5 (MANE Select); coding-DNA positions 880 to 882, 3 bases deleted (ATC; older notation c.880_882delATC).
Protein change: p.Ile294del; deletes isoleucine 294.
Molecular consequence: inframe deletion. On other transcripts: inframe indel (1).
Genome position (GRCh38, 1-based): chr19:33,301,533-33,301,535, GAT deleted on the plus strand (ATC on the coding strand, the reverse complement: CEBPA is on the minus strand); deleting any 3 consecutive bases within chr19:33,301,533-33,301,536 gives the same sequence; the c. name uses the placement nearest the transcript's 3' end. VCF-style (leftmost placement, unchanged base first): chr19-33301532-CGAT-C. GRCh37 (hg19) VCF-style: chr19-33792438-CGAT-C.
Other names: c.880_882delATC (NM_004364.3); c.523_525del, p.Ile175del (NM_001285829.2); c.985_987del, p.Ile329del (NM_001287424.2); c.838_840del, p.Ile280del (NM_001287435.2); short protein forms I175del, I280del, I294del, I329del.
Identifiers: ClinVar variation 4868696 (VCV004868696.1).
Genomic context (GRCh38, chr19:33,301,532, plus strand): 5'-GCACCTTCTGCTGCGTCTCCACGTTGCGCTGCTTGGCCTTGTCGCGGCTCTTGCGCACCG[CGAT>C]GTTGTTGCGCTCGCGCCGCACCCGGTACTCGTTGCTGTTCTTGTCCACCGACTTCTTGGC-3'